The following is an entry in ClinVar:

NM_021005.4(NR2F2):c.896_903del (p.Val299fs)

Gene: NR2F2 (nuclear receptor subfamily 2 group F member 2; plus strand). Cytogenetic location: 15q26.2.
Variant type: Deletion.
Coding change: c.896_903del on transcript NM_021005.4 (MANE Select); coding-DNA positions 896 to 903, 8 bases deleted (TGGAGAAG; older notation c.896_903delTGGAGAAG).
Protein change: p.Val299fs; shifts the reading frame from valine 299.
Molecular consequence: frameshift variant.
Genome position (GRCh38, 1-based): chr15:96,334,529-96,334,536, TGGAGAAG deleted; deleting any 8 consecutive bases within chr15:96,334,526-96,334,536 gives the same sequence; the c. name uses the placement nearest the transcript's 3' end. VCF-style (leftmost placement, unchanged base first): chr15-96334525-CAAGTGGAG-C. GRCh37 (hg19) VCF-style: chr15-96877754-CAAGTGGAG-C.
Other names: c.497_504del, p.Val166fs (NM_001145155.2); c.437_444del, p.Val146fs (NM_001145156.1, NM_001145157.2); c.896_903delTGGAGAAG (NM_021005.4); short protein forms V146fs, V166fs, V299fs.
Identifiers: ClinVar variation 3895676 (VCV003895676.1).

ClinVar aggregate classification (germline): Pathogenic (1 of 4 stars; one submission).

Conditions:
Congenital heart disease (variable). Identifiers: MedGen C3805326.

Submission:

Women's Health and Genetics/Laboratory Corporation of America, LabCorp
Classification: Pathogenic for Congenital heart disease (variable). Last evaluated: 2025-03-28. Review status: criteria provided, single submitter. Criteria: LabCorp Variant Classification Summary - May 2015. Collection method: clinical testing. Allele origin: germline.
Comment: Variant summary: NR2F2 c.896_903delTGGAGAAG (p.Val299AlafsX7) results in a premature termination codon, predicted to cause a truncation of the encoded protein or absence of the protein due to nonsense mediated decay, which are commonly known mechanisms for disease. The variant was absent in 249782 control chromosomes. To our knowledge, no experimental evidence demonstrating its impact on protein function have been reported. No submitters have cited clinical-significance assessments for this variant to ClinVar. Based on the evidence outlined above, the variant was classified as pathogenic.